The following is an entry in ClinVar:

ClinVar aggregate classification (germline): Uncertain significance (1 of 4 stars; one submission).

Conditions:
Congenital contractural arachnodactyly (CCA). Also called: Arthrogryposis, distal, type 9; BEALS SYNDROME; Beals-Hecht syndrome. Identifiers: Orphanet 115, MedGen C0220668, MONDO:0007363, OMIM 121050.
Macular degeneration, early-onset (EOMD). Identifiers: MedGen C4015286, MONDO:0014501, OMIM 616118.

Submission:

Juno Genomics, Hangzhou Juno Genomics, Inc
Classification: Uncertain significance for Congenital contractural arachnodactyly; Macular degeneration, early-onset. Review status: criteria provided, single submitter. Criteria: ACMG Guidelines, 2015. Collection method: clinical testing. Allele origin: germline. Affected: yes.
Comment: Absent from controls (or at extremely low frequency if recessive) in Genome Aggregation Database, Exome Sequencing Project, 1000 Genomes Project, or Exome Aggregation Consortium.;Multiple lines of computational evidence support a deleterious effect on the gene or gene product (conservation, evolutionary, splicing impact, etc).;The prevalence of the variant in affected individuals is significantly increased compared to the prevalence in controls.

NM_001999.4(FBN2):c.3364T>C (p.Ser1122Pro)

Gene: FBN2 (fibrillin 2; minus strand). Cytogenetic location: 5q23.3.
Variant type: single nucleotide variant.
Coding change: c.3364T>C on transcript NM_001999.4 (MANE Select); coding-DNA position 3364, T replaced by C.
Protein change: p.Ser1122Pro; replaces serine 1122 with proline.
Molecular consequence: missense variant.
Genome position (GRCh38, 1-based): chr5:128,339,041, A>G on the plus strand (T>C on the coding strand, the complement: FBN2 is on the minus strand). VCF-style: chr5-128339041-A-G. GRCh37 (hg19) VCF-style: chr5-127674733-A-G.
Other names: short protein forms S1122P.
Identifiers: ClinVar variation 3382090 (VCV003382090.2).